The following is an entry in ClinVar:

ClinVar aggregate classification (germline): Conflicting classifications of pathogenicity. Review status: criteria provided, conflicting classifications (1 of 4 stars). 4 submissions from 4 submitters: Uncertain significance (3); Likely benign (1). Last evaluated 2026-05-13.

Conditions:
Glomerulopathy with fibronectin deposits 2 (GFND2). Identifiers: Orphanet 84090, MedGen C1866075, MONDO:0011165, OMIM 601894.
Spondylometaphyseal dysplasia - Sutcliffe type. Also called: Spondylometaphyseal Dysplasia, Corner Fracture Type; Sutcliffe type of spondylometaphyseal dysplasia; Sutcliffe SMD; Spondylometaphyseal dysplasia, 'corner fracture' type. Identifiers: Orphanet 93315, MedGen C0432221, MONDO:0008479, OMIM 184255.
FN1-related disorder. Also called: FN1-related condition.

Allele frequency attached by ClinVar (database versions not stated): gnomAD 0.00003; gnomAD exomes 0.00003; ExAC 0.00004; TOPMed 0.00008; ESP Exome Variant Server 0.00023.
gnomAD v4.1: 135 of 1,613,446 alleles (0.0084%); highest among the groups gnomAD compares: Non-Finnish European, 0.011%; no homozygotes.

Submissions (4):

PreventionGenetics, part of Exact Sciences
Classification: Uncertain significance for FN1-related condition. Last evaluated: 2026-05-13. Review status: criteria provided, single submitter. Criteria: ACMG Guidelines, 2015. Collection method: clinical testing. Allele origin: germline.
Comment: The FN1 c.1757A>G variant is predicted to result in the amino acid substitution p.Gln586Arg. To our knowledge, this variant has not been reported in the literature. This variant is reported in 0.0070% of alleles in individuals of European (Non-Finnish) descent in gnomAD. Although we suspect that this variant may be benign, at this time, the clinical significance of this variant is uncertain due to the absence of conclusive functional and genetic evidence.

Labcorp Genetics (formerly Invitae), Labcorp
Classification: Uncertain significance. Last evaluated: 2024-08-10. Review status: criteria provided, single submitter. Criteria: Invitae Variant Classification Sherloc (09022015). Collection method: clinical testing. Allele origin: germline.
Comment: This sequence change replaces glutamine, which is neutral and polar, with arginine, which is basic and polar, at codon 586 of the FN1 protein (p.Gln586Arg). This variant is present in population databases (rs138219703, gnomAD 0.009%). This variant has not been reported in the literature in individuals affected with FN1-related conditions. ClinVar contains an entry for this variant (Variation ID: 816643). Advanced modeling of protein sequence and biophysical properties (such as structural, functional, and spatial information, amino acid conservation, physicochemical variation, residue mobility, and thermodynamic stability) performed at Invitae indicates that this missense variant is not expected to disrupt FN1 protein function with a negative predictive value of 80%. In summary, the available evidence is currently insufficient to determine the role of this variant in disease. Therefore, it has been classified as a Variant of Uncertain Significance.

Fulgent Genetics
Classification: Likely benign for Spondylometaphyseal dysplasia - Sutcliffe type; Glomerulopathy with fibronectin deposits 2. Last evaluated: 2024-06-10. Review status: criteria provided, single submitter. Criteria: ACMG Guidelines, 2015. Collection method: clinical testing. Allele origin: germline.

Johns Hopkins Genomics, Johns Hopkins University
Classification: Uncertain significance for Glomerulopathy with fibronectin deposits 2. Last evaluated: 2019-10-01. Review status: criteria provided, single submitter. Criteria: ACMG Guidelines, 2015. Collection method: clinical testing. Allele origin: germline.
Comment: This FN1 variant (rs138219703) is present in a large population datasets (gnomAD: 9/282834 total alleles; 0.0032%; no homozygotes). FN1 c.1757A>G has not been reported in ClinVar nor the literature, to our knowledge. Of two bioinformatics tools queried, one predicts that the substitution would be probably damaging, while the second predicts that it would be tolerated. The glutamine residue at this position is highly evolutionarily conserved across most species assessed. The clinical significance of c.1757A>G is uncertain at this time.

NM_212482.4(FN1):c.1757A>G (p.Gln586Arg)

Gene: FN1 (fibronectin 1; minus strand). Cytogenetic location: 2q35.
Variant type: single nucleotide variant.
Coding change: c.1757A>G on transcript NM_212482.4 (MANE Select); coding-DNA position 1757, A replaced by G.
Protein change: p.Gln586Arg; replaces glutamine 586 with arginine.
Molecular consequence: missense variant.
Genome position (GRCh38, 1-based): chr2:215,419,304, T>C on the plus strand (A>G on the coding strand, the complement: FN1 is on the minus strand). VCF-style: chr2-215419304-T-C. GRCh37 (hg19) VCF-style: chr2-216284027-T-C.
Other names: c.1757A>G, p.Gln586Arg (NM_001306129.2, NM_001306130.2, NM_001306131.2 and 14 more transcripts); short protein forms Q586R.
Identifiers: ClinVar variation 816643 (VCV000816643.12), dbSNP rs138219703, ClinGen allele CA2095177.